The following is an entry in ClinVar:

ClinVar aggregate classification (germline): Benign. Review status: criteria provided, multiple submitters, no conflicts (2 of 4 stars). 3 submissions from 3 submitters: Benign (3). Last evaluated 2026-01-26.

Conditions:
Dubin-Johnson syndrome (DJS). Also called: Hyperbilirubinemia type 2; Jaundice, Chronic Idiopathic; HYPERBILIRUBINEMIA, DUBIN-JOHNSON TYPE. Identifiers: Orphanet 234, MedGen C0022350, MONDO:0009380, OMIM 237500.

Allele frequency attached by ClinVar (database versions not stated): gnomAD 0.00002 and 0.00051; TOPMed 0.00010; gnomAD exomes 0.00267; ExAC 0.00297; 1000 Genomes Project 30x 0.00328; 1000 Genomes Project 0.00359.
gnomAD v4.1: 2,059 of 1,614,200 alleles (0.13%); highest among the groups gnomAD compares: South Asian, 2.2%; 45 homozygotes.

Submissions (3):

Labcorp Genetics (formerly Invitae), Labcorp
Classification: Benign. Last evaluated: 2026-01-26. Review status: criteria provided, single submitter. Criteria: Invitae Variant Classification Sherloc (09022015). Collection method: clinical testing. Allele origin: germline.

Illumina Laboratory Services, Illumina
Classification: Benign for Dubin-Johnson syndrome. Last evaluated: 2017-04-27. Review status: criteria provided, single submitter. Criteria: ICSL Variant Classification Criteria 13 December 2019. Collection method: clinical testing. Allele origin: germline.
Comment: This variant was observed as part of a predisposition screen in an ostensibly healthy population. A literature search was performed for the gene, cDNA change, and amino acid change (where applicable). Publications were found based on this search. The evidence from the literature, in combination with allele frequency data from public databases where available, was sufficient to rule this variant out of causing disease. Therefore, this variant is classified as benign.

Breakthrough Genomics
Classification: Benign. Review status: criteria provided, single submitter. Criteria: ACMG Guidelines, 2015. Collection method: not provided. Allele origin: germline. Inheritance: Autosomal recessive inheritance. Affected: yes.

Literature cited by the submitters: PubMed 18974617 (cited by Illumina Laboratory Services, Illumina).

NM_000392.5(ABCC2):c.4568A>C (p.Gln1523Pro)

Gene: ABCC2 (ATP binding cassette subfamily C member 2; plus strand). Cytogenetic location: 10q24.2.
Variant type: single nucleotide variant.
Coding change: c.4568A>C on transcript NM_000392.5 (MANE Select); coding-DNA position 4568, A replaced by C.
Protein change: p.Gln1523Pro; replaces glutamine 1523 with proline.
Molecular consequence: missense variant.
Genome position (GRCh38, 1-based): chr10:99,851,561, A>C. VCF-style: chr10-99851561-A-C. GRCh37 (hg19) VCF-style: chr10-101611318-A-C.
Other names: short protein forms Q1523P.
Identifiers: ClinVar variation 724590 (VCV000724590.12), dbSNP rs533470370, ClinGen allele CA5644192.